The following is an entry in ClinVar:

ClinVar aggregate classification (germline): Uncertain significance (1 of 4 stars; one submission).

Allele frequency attached by ClinVar (database versions not stated): gnomAD exomes 0.00001; ExAC 0.00002; TOPMed 0.00002.
gnomAD v4.1: 47 of 1,613,788 alleles (0.0029%); highest among the groups gnomAD compares: Non-Finnish European, 0.0039%; no homozygotes.

Submission:

Labcorp Genetics (formerly Invitae), Labcorp
Classification: Uncertain significance. Last evaluated: 2025-10-21. Review status: criteria provided, single submitter. Criteria: Invitae Variant Classification Sherloc (09022015). Collection method: clinical testing. Allele origin: germline.
Comment: This sequence change replaces glycine, which is neutral and non-polar, with serine, which is neutral and polar, at codon 1213 of the SPEG protein (p.Gly1213Ser). This variant is present in population databases (rs756568021, gnomAD 0.002%). This variant has not been reported in the literature in individuals affected with SPEG-related conditions. ClinVar contains an entry for this variant (Variation ID: 1379825). An algorithm developed to predict the effect of missense changes on protein structure and function (PolyPhen-2) suggests that this variant is likely to be disruptive. In summary, the available evidence is currently insufficient to determine the role of this variant in disease. Therefore, it has been classified as a Variant of Uncertain Significance.

NM_005876.5(SPEG):c.3637G>A (p.Gly1213Ser)

Gene: SPEG (striated muscle enriched protein kinase; plus strand). Cytogenetic location: 2q35.
Variant type: single nucleotide variant.
Coding change: c.3637G>A on transcript NM_005876.5 (MANE Select); coding-DNA position 3637, G replaced by A.
Protein change: p.Gly1213Ser; replaces glycine 1213 with serine.
Molecular consequence: missense variant.
Genome position (GRCh38, 1-based): chr2:219,469,301, G>A. VCF-style: chr2-219469301-G-A. GRCh37 (hg19) VCF-style: chr2-220334023-G-A.
Other names: short protein forms G1213S.
Identifiers: ClinVar variation 1379825 (VCV001379825.5), dbSNP rs756568021, ClinGen allele CA2126226.